The following is an entry in ClinVar:

NM_174936.4(PCSK9):c.580C>A (p.Arg194=)

Gene: PCSK9 (proprotein convertase subtilisin/kexin type 9; plus strand). Cytogenetic location: 1p32.3.
Variant type: single nucleotide variant.
Coding change: c.580C>A on transcript NM_174936.4 (MANE Select); coding-DNA position 580, C replaced by A.
Protein change: p.Arg194=; no amino-acid change (arginine 194 retained).
Molecular consequence: synonymous variant. On other transcripts: non-coding transcript variant (8).
Genome position (GRCh38, 1-based): chr1:55,052,334, C>A. VCF-style: chr1-55052334-C-A. GRCh37 (hg19) VCF-style: chr1-55518007-C-A.
Other names: c.703C>A, p.Arg235= (NM_001407240.1); c.580C>A, p.Arg194= (NM_001407241.1, NM_001407242.1, NM_001407244.1 and 1 more transcripts); c.523C>A, p.Arg175= (NM_001407243.1); c.388C>A, p.Arg130= (NM_001407245.1); c.205C>A, p.Arg69= (NM_001407246.1).
Identifiers: ClinVar variation 920795 (VCV000920795.10), dbSNP rs200027662, ClinGen allele CA418180966.

ClinVar aggregate classification (germline): Likely benign. Review status: criteria provided, multiple submitters, no conflicts (2 of 4 stars). 5 submissions from 5 submitters: Likely benign (5). Last evaluated 2025-05-04.

Conditions:
Cardiovascular phenotype. Identifiers: MedGen CN230736.
Familial hypercholesterolemia. Also called: Familial hypercholesterolemias; Familial hypercholesterolaemia. Identifiers: MedGen C0020445, MONDO:0005439.
Hypercholesterolemia, autosomal dominant, 3 (FHCL3). Also called: Familial hypercholesterolemia 3; Familial Hypercholesterolemia, Autosomal Dominant, 3; PCSK9-Related Familial Hypercholesterolemia, Autosomal Dominant. Identifiers: MedGen C1863551, MONDO:0011369, OMIM 603776.

Allele frequency attached by ClinVar (database versions not stated): TOPMed 0.00001.

Submissions (5):

Labcorp Genetics (formerly Invitae), Labcorp
Classification: Likely benign for Hypercholesterolemia, autosomal dominant, 3. Last evaluated: 2025-05-04. Review status: criteria provided, single submitter. Criteria: Invitae Variant Classification Sherloc (09022015). Collection method: clinical testing. Allele origin: germline.

All of Us Research Program, National Institutes of Health
Classification: Likely benign for Hypercholesterolemia, autosomal dominant, 3. Last evaluated: 2024-01-11. Review status: criteria provided, single submitter. Criteria: ACMG Guidelines, 2015. Collection method: clinical testing. Allele origin: germline. Inheritance: Autosomal dominant inheritance. Observed: 9 variant alleles, 9 heterozygotes.
Comment: This study involves interpretation of variants in research participants for the purpose of population health screening. Participant phenotype was not available at the time of variant classification. Additional details can be found in publication PMID: 35346344, PMCID: PMC8962531

Women's Health and Genetics/Laboratory Corporation of America, LabCorp
Classification: Likely benign. Last evaluated: 2023-05-15. Review status: criteria provided, single submitter. Criteria: LabCorp Variant Classification Summary - May 2015. Collection method: clinical testing. Allele origin: germline.

Ambry Genetics
Classification: Likely benign for Cardiovascular phenotype. Last evaluated: 2022-08-30. Review status: criteria provided, single submitter. Criteria: Ambry Variant Classification Scheme 2023. Collection method: clinical testing. Allele origin: germline.

Color Diagnostics, LLC DBA Color Health
Classification: Likely benign for Familial hypercholesterolemia. Last evaluated: 2019-12-02. Review status: criteria provided, single submitter. Criteria: ACMG Guidelines, 2015. Collection method: clinical testing. Allele origin: germline.